The following is an entry in ClinVar:

ClinVar aggregate classification (germline): Uncertain significance. Review status: criteria provided, multiple submitters, no conflicts (2 of 4 stars). 2 submissions from 2 submitters: Uncertain significance (2). Last evaluated 2024-11-19.

Allele frequency attached by ClinVar (database versions not stated): gnomAD exomes below 0.00001; gnomAD 0.00003; TOPMed 0.00003.
gnomAD v4.1: 6 of 1,614,040 alleles (0.00037%); highest among the groups gnomAD compares: Admixed American, 0.0033%; no homozygotes.

Submissions (2):

Ambry Genetics
Classification: Uncertain significance. Last evaluated: 2024-11-19. Review status: criteria provided, single submitter. Criteria: Ambry Variant Classification Scheme 2023. Collection method: clinical testing. Allele origin: germline.

Labcorp Genetics (formerly Invitae), Labcorp
Classification: Uncertain significance. Last evaluated: 2024-11-05. Review status: criteria provided, single submitter. Criteria: Invitae Variant Classification Sherloc (09022015). Collection method: clinical testing. Allele origin: germline.
Comment: This sequence change replaces threonine, which is neutral and polar, with methionine, which is neutral and non-polar, at codon 575 of the DHX38 protein (p.Thr575Met). This variant is present in population databases (no rsID available, gnomAD 0.007%). This variant has not been reported in the literature in individuals affected with DHX38-related conditions. ClinVar contains an entry for this variant (Variation ID: 1930185). Invitae Evidence Modeling of protein sequence and biophysical properties (such as structural, functional, and spatial information, amino acid conservation, physicochemical variation, residue mobility, and thermodynamic stability) indicates that this missense variant is not expected to disrupt DHX38 protein function with a negative predictive value of 80%. In summary, the available evidence is currently insufficient to determine the role of this variant in disease. Therefore, it has been classified as a Variant of Uncertain Significance.

NM_014003.4(DHX38):c.1724C>T (p.Thr575Met)

Gene: DHX38 (DEAH-box helicase 38; plus strand). Cytogenetic location: 16q22.2.
Variant type: single nucleotide variant.
Coding change: c.1724C>T on transcript NM_014003.4 (MANE Select); coding-DNA position 1724, C replaced by T.
Protein change: p.Thr575Met; replaces threonine 575 with methionine.
Molecular consequence: missense variant.
Genome position (GRCh38, 1-based): chr16:72,103,688, C>T. VCF-style: chr16-72103688-C-T. GRCh37 (hg19) VCF-style: chr16-72137587-C-T.
Other names: c.1724C>T (NM_014003.3); short protein forms T575M.
Identifiers: ClinVar variation 1930185 (VCV001930185.6), dbSNP rs1343138979, ClinGen allele CA396708084.